The following is an entry in ClinVar:

NM_000334.4(SCN4A):c.1790T>C (p.Met597Thr)

Gene: SCN4A (sodium voltage-gated channel alpha subunit 4; minus strand). Cytogenetic location: 17q23.3.
Variant type: single nucleotide variant.
Coding change: c.1790T>C on transcript NM_000334.4 (MANE Select); coding-DNA position 1790, T replaced by C.
Protein change: p.Met597Thr; replaces methionine 597 with threonine.
Molecular consequence: missense variant.
Genome position (GRCh38, 1-based): chr17:63,961,248, A>G on the plus strand (T>C on the coding strand, the complement: SCN4A is on the minus strand). VCF-style: chr17-63961248-A-G. GRCh37 (hg19) VCF-style: chr17-62038608-A-G.
Other names: short protein forms M597T.
Identifiers: ClinVar variation 1442297 (VCV001442297.6), dbSNP rs2144798645, ClinGen allele CA400632944.
Genomic context (GRCh38, chr17:63,961,248, plus strand): 5'-CCTACCAGGTTGCCCACAGTGAGCACGTTGTCAAAGTGCTCCGTCATGGGGTAATGTTCC[A>G]TGGCCATGAAGAGGGTGTTGAGCACGATGCAGATGGTGATGCCCAGGTCCACGAACGGGT-3'
Protein context (NP_000325.4, residues 587-607): CIVLNTLFMA[Met597Thr]EHYPMTEHFD

ClinVar aggregate classification (germline): Uncertain significance (1 of 4 stars; one submission).

Conditions:
Hyperkalemic periodic paralysis. Also called: Familial hyperkalemic periodic paralysis; Gamstorp disease. Identifiers: Orphanet 682, MedGen C0238357, MONDO:0008224, OMIM 170500, HP:0007215.

Allele frequency attached by ClinVar (database versions not stated): gnomAD exomes 0.00004.
gnomAD v4.1: 32 of 1,507,030 alleles (0.0021%); highest among the groups gnomAD compares: Non-Finnish European, 0.0029%; no homozygotes.

Submission:

Labcorp Genetics (formerly Invitae), Labcorp
Classification: Uncertain significance for Hyperkalemic periodic paralysis. Last evaluated: 2025-06-06. Review status: criteria provided, single submitter. Criteria: Invitae Variant Classification Sherloc (09022015). Collection method: clinical testing. Allele origin: germline.
Comment: This sequence change replaces methionine, which is neutral and non-polar, with threonine, which is neutral and polar, at codon 597 of the SCN4A protein (p.Met597Thr). This variant is not present in population databases (gnomAD no frequency). This variant has not been reported in the literature in individuals affected with SCN4A-related conditions. ClinVar contains an entry for this variant (Variation ID: 1442297). Invitae Evidence Modeling of protein sequence and biophysical properties (such as structural, functional, and spatial information, amino acid conservation, physicochemical variation, residue mobility, and thermodynamic stability) indicates that this missense variant is expected to disrupt SCN4A protein function with a positive predictive value of 80%. In summary, the available evidence is currently insufficient to determine the role of this variant in disease. Therefore, it has been classified as a Variant of Uncertain Significance.